The following is an entry in ClinVar:

NM_000051.4(ATM):c.3887C>G (p.Pro1296Arg)

Gene: ATM (ATM serine/threonine kinase; plus strand). Cytogenetic location: 11q22.3.
Variant type: single nucleotide variant.
Coding change: c.3887C>G on transcript NM_000051.4 (MANE Select); coding-DNA position 3887, C replaced by G.
Protein change: p.Pro1296Arg; replaces proline 1296 with arginine.
Molecular consequence: missense variant.
Genome position (GRCh38, 1-based): chr11:108,284,367, C>G. VCF-style: chr11-108284367-C-G. GRCh37 (hg19) VCF-style: chr11-108155094-C-G.
Other names: c.3887C>G, p.Pro1296Arg (NM_001351834.2); short protein forms P1296R.
Identifiers: ClinVar variation 3611389 (VCV003611389.2).

ClinVar aggregate classification (germline): Uncertain significance (1 of 4 stars; one submission).

Conditions:
Ataxia-telangiectasia syndrome (AT). Also called: Ataxia-telangiectasia, complementation group D; AT, COMPLEMENTATION GROUP C; Ataxia-telangiectasia; Ataxia telangiectasia (A-T); Cerebello-oculocutaneous telangiectasia; Immunodeficiency with ataxia telangiectasia. Identifiers: Orphanet 100, MedGen C0004135, MONDO:0008840, OMIM 208900.

Submission:

Labcorp Genetics (formerly Invitae), Labcorp
Classification: Uncertain significance for Ataxia-telangiectasia syndrome. Last evaluated: 2024-11-11. Review status: criteria provided, single submitter. Criteria: Invitae Variant Classification Sherloc (09022015). Collection method: clinical testing. Allele origin: germline.
Comment: This sequence change replaces proline, which is neutral and non-polar, with arginine, which is basic and polar, at codon 1296 of the ATM protein (p.Pro1296Arg). This variant is not present in population databases (gnomAD no frequency). This variant has not been reported in the literature in individuals affected with ATM-related conditions. Invitae Evidence Modeling of protein sequence and biophysical properties (such as structural, functional, and spatial information, amino acid conservation, physicochemical variation, residue mobility, and thermodynamic stability) has been performed for this missense variant. However, the output from this modeling did not meet the statistical confidence thresholds required to predict the impact of this variant on ATM protein function. In summary, the available evidence is currently insufficient to determine the role of this variant in disease. Therefore, it has been classified as a Variant of Uncertain Significance.